The following is an entry in ClinVar:

NM_015868.3(KIR2DL3):c.432C>T (p.Ser144=)

Gene: KIR2DL3 (killer cell immunoglobulin like receptor, two Ig domains and long cytoplasmic tail 3). Cytogenetic location: 19q13.42.
Variant type: single nucleotide variant.
Coding change: c.432C>T on transcript NM_015868.3 (MANE Select); coding-DNA position 432, C replaced by T.
Protein change: p.Ser144=; no amino-acid change (serine 144 retained).
Molecular consequence: synonymous variant.
Genome position (GRCh38, 1-based): chr19:54,743,856, C>T. VCF-style: chr19-54743856-C-T. GRCh37 (hg19) VCF-style: chr19-55255304-C-T.
Identifiers: ClinVar variation 5038777 (VCV005038777.1).

ClinVar aggregate classification (germline): Likely benign (1 of 4 stars; one submission).

gnomAD v4.1: 132 of 1,613,192 alleles (0.0082%); highest among the groups gnomAD compares: South Asian, 0.055%; no homozygotes.

Submission:

CeGaT Center for Human Genetics Tuebingen
Classification: Likely benign. Last evaluated: 2026-08-01. Review status: criteria provided, single submitter. Criteria: CeGaT Center For Human Genetics Tuebingen Variant Classification Criteria Version 2. Collection method: clinical testing. Allele origin: germline. Affected: yes. Observed: 1 variant allele.
Comment: KIR2DL3: BP4, BP7